The following is an entry in ClinVar:

NM_014241.4(HACD1):c.826A>G (p.Lys276Glu)

Gene: HACD1 (3-hydroxyacyl-CoA dehydratase 1; minus strand). Cytogenetic location: 10p12.33.
Variant type: single nucleotide variant.
Coding change: c.826A>G on transcript NM_014241.4 (MANE Select); coding-DNA position 826, A replaced by G.
Protein change: p.Lys276Glu; replaces lysine 276 with glutamic acid.
Molecular consequence: missense variant.
Genome position (GRCh38, 1-based): chr10:17,590,405, T>C on the plus strand (A>G on the coding strand, the complement: HACD1 is on the minus strand). VCF-style: chr10-17590405-T-C. GRCh37 (hg19) VCF-style: chr10-17632404-T-C.
Other names: short protein forms K276E.
Identifiers: ClinVar variation 1965544 (VCV001965544.5), dbSNP rs1554815467, ClinGen allele CA376192251.

ClinVar aggregate classification (germline): Uncertain significance (1 of 4 stars; one submission).

Allele frequency attached by ClinVar (database versions not stated): gnomAD exomes below 0.00001; gnomAD 0.00001.
gnomAD v4.1: 7 of 1,604,948 alleles (0.00044%); highest among the groups gnomAD compares: Admixed American, 0.0034%; no homozygotes.

Submission:

Labcorp Genetics (formerly Invitae), Labcorp
Classification: Uncertain significance. Last evaluated: 2023-12-11. Review status: criteria provided, single submitter. Criteria: Invitae Variant Classification Sherloc (09022015). Collection method: clinical testing. Allele origin: germline.
Comment: This sequence change replaces lysine, which is basic and polar, with glutamic acid, which is acidic and polar, at codon 276 of the HACD1 protein (p.Lys276Glu). This variant is present in population databases (no rsID available, gnomAD 0.002%). This variant has not been reported in the literature in individuals affected with HACD1-related conditions. ClinVar contains an entry for this variant (Variation ID: 1965544). Advanced modeling of protein sequence and biophysical properties (such as structural, functional, and spatial information, amino acid conservation, physicochemical variation, residue mobility, and thermodynamic stability) performed at Invitae indicates that this missense variant is expected to disrupt HACD1 protein function with a positive predictive value of 80%. In summary, the available evidence is currently insufficient to determine the role of this variant in disease. Therefore, it has been classified as a Variant of Uncertain Significance.